The following is an entry in ClinVar:

ClinVar aggregate classification (germline): Uncertain significance (1 of 4 stars; one submission).

Submission:

CeGaT Center for Human Genetics Tuebingen
Classification: Uncertain significance. Last evaluated: 2023-07-01. Review status: criteria provided, single submitter. Criteria: CeGaT Center For Human Genetics Tuebingen Variant Classification Criteria Version 2. Collection method: clinical testing. Allele origin: germline. Affected: yes. Observed: 2 variant alleles.
Comment: THOC2: PM2, PP2, PP3, PP4

NM_001081550.2(THOC2):c.2655G>T (p.Trp885Cys)

Gene: THOC2 (THO complex subunit 2; minus strand). Cytogenetic location: Xq25.
Variant type: single nucleotide variant.
Coding change: c.2655G>T on transcript NM_001081550.2 (MANE Select); coding-DNA position 2655, G replaced by T.
Protein change: p.Trp885Cys; replaces tryptophan 885 with cysteine.
Molecular consequence: missense variant.
Genome position (GRCh38, 1-based): chrX:123,627,795, C>A on the plus strand (G>T on the coding strand, the complement: THOC2 is on the minus strand). VCF-style: chrX-123627795-C-A. GRCh37 (hg19) VCF-style: chrX-122761646-C-A.
Other names: short protein forms W885C.
Identifiers: ClinVar variation 2579105 (VCV002579105.25), dbSNP rs2521078885, ClinGen allele CA414266871.